The following is an entry in ClinVar:

ClinVar aggregate classification (germline): Uncertain significance (1 of 4 stars; one submission).

Conditions:
Cardiovascular phenotype. Identifiers: MedGen CN230736.

Submission:

Ambry Genetics
Classification: Uncertain significance for Cardiovascular phenotype. Last evaluated: 2025-06-10. Review status: criteria provided, single submitter. Criteria: Ambry Variant Classification Scheme 2023. Collection method: clinical testing. Allele origin: germline.
Comment: The p.D48G variant (also known as c.143A>G), located in coding exon 2 of the EFEMP2 gene, results from an A to G substitution at nucleotide position 143. The aspartic acid at codon 48 is replaced by glycine, an amino acid with similar properties. This amino acid position is conserved. In addition, the in silico prediction for this alteration is inconclusive. Based on the available evidence, the clinical significance of this variant remains unclear.

NM_016938.5(EFEMP2):c.143A>G (p.Asp48Gly)

Gene: EFEMP2 (EGF containing fibulin extracellular matrix protein 2; minus strand). Cytogenetic location: 11q13.1.
Variant type: single nucleotide variant.
Coding change: c.143A>G on transcript NM_016938.5 (MANE Select); coding-DNA position 143, A replaced by G.
Protein change: p.Asp48Gly; replaces aspartic acid 48 with glycine.
Molecular consequence: missense variant. On other transcripts: non-coding transcript variant (1).
Genome position (GRCh38, 1-based): chr11:65,871,987, T>C on the plus strand (A>G on the coding strand, the complement: EFEMP2 is on the minus strand). VCF-style: chr11-65871987-T-C. GRCh37 (hg19) VCF-style: chr11-65639458-T-C.
Other names: short protein forms D48G.
Identifiers: ClinVar variation 4016523 (VCV004016523.1).
Genomic context (GRCh38, chr11:65,871,987, plus strand): 5'-TTTCCGGGTTCCTGGGGGTGTTTGGTCCCCCAGGCACACACACCCCGGCAGTGCTGGCTG[T>C]CTGGGTCCCACTCATAGCCATCTGTGCATTCCTGGAAGGGAACCAGAAGTGGCCAGTGGT-3'
Protein context (NP_058634.4, residues 38-58): ECTDGYEWDP[Asp48Gly]SQHCRDVNEC